The following is an entry in ClinVar:

ClinVar aggregate classification (germline): Uncertain significance (1 of 4 stars; one submission).

Allele frequency attached by ClinVar (database versions not stated): gnomAD exomes below 0.00001; TOPMed below 0.00001; gnomAD 0.00001.
gnomAD v4.1: 3 of 1,594,022 alleles (0.00019%); highest among the groups gnomAD compares: African/African-American, 0.0013%; no homozygotes.

Submission:

Labcorp Genetics (formerly Invitae), Labcorp
Classification: Uncertain significance. Last evaluated: 2022-03-20. Review status: criteria provided, single submitter. Criteria: Invitae Variant Classification Sherloc (09022015). Collection method: clinical testing. Allele origin: germline.
Comment: In summary, the available evidence is currently insufficient to determine the role of this variant in disease. Therefore, it has been classified as a Variant of Uncertain Significance. Advanced modeling of protein sequence and biophysical properties (such as structural, functional, and spatial information, amino acid conservation, physicochemical variation, residue mobility, and thermodynamic stability) performed at Invitae indicates that this missense variant is expected to disrupt GNAT2 protein function. This variant has not been reported in the literature in individuals affected with GNAT2-related conditions. This variant is present in population databases (no rsID available, gnomAD 0.0009%). This sequence change replaces threonine, which is neutral and polar, with alanine, which is neutral and non-polar, at codon 324 of the GNAT2 protein (p.Thr324Ala).

NM_001377295.2(GNAT2):c.970A>G (p.Thr324Ala)

Gene: GNAT2 (G protein subunit alpha transducin 2; minus strand). Cytogenetic location: 1p13.3.
Variant type: single nucleotide variant.
Coding change: c.970A>G on transcript NM_001377295.2 (MANE Select); coding-DNA position 970, A replaced by G.
Protein change: p.Thr324Ala; replaces threonine 324 with alanine.
Molecular consequence: missense variant.
Genome position (GRCh38, 1-based): chr1:109,603,449, T>C on the plus strand (A>G on the coding strand, the complement: GNAT2 is on the minus strand). VCF-style: chr1-109603449-T-C. GRCh37 (hg19) VCF-style: chr1-110146071-T-C.
Other names: c.970A>G, p.Thr324Ala (NM_001379232.1, NM_005272.5); short protein forms T324A.
Identifiers: ClinVar variation 1908443 (VCV001908443.5), dbSNP rs1257988049, ClinGen allele CA341531997.